The following is an entry in ClinVar:

NM_198578.4(LRRK2):c.3604G>C (p.Asp1202His)

Gene: LRRK2 (leucine rich repeat kinase 2; plus strand). Cytogenetic location: 12q12.
Variant type: single nucleotide variant.
Coding change: c.3604G>C on transcript NM_198578.4 (MANE Select); coding-DNA position 3604, G replaced by C.
Protein change: p.Asp1202His; replaces aspartic acid 1202 with histidine.
Molecular consequence: missense variant.
Genome position (GRCh38, 1-based): chr12:40,303,961, G>C. VCF-style: chr12-40303961-G-C. GRCh37 (hg19) VCF-style: chr12-40697763-G-C.
Other names: short protein forms D1202H.
Identifiers: ClinVar variation 1733142 (VCV001733142.2), dbSNP rs2499780736, ClinGen allele CA384416542.

ClinVar aggregate classification (germline): Uncertain significance (1 of 4 stars; one submission).

Conditions:
Inborn genetic diseases. Identifiers: MedGen C0950123, MeSH D030342.

Submission:

Ambry Genetics
Classification: Uncertain significance for Inborn genetic diseases. Last evaluated: 2021-06-22. Review status: criteria provided, single submitter. Criteria: Ambry Variant Classification Scheme 2023. Collection method: clinical testing. Allele origin: germline.
Comment: The p.D1202H variant (also known as c.3604G>C), located in coding exon 27 of the LRRK2 gene, results from a G to C substitution at nucleotide position 3604. The aspartic acid at codon 1202 is replaced by histidine, an amino acid with similar properties. This amino acid position is conserved. In addition, this alteration is predicted to be deleterious by in silico analysis. Since supporting evidence is limited at this time, the clinical significance of this alteration remains unclear.